The following is an entry in ClinVar:

NM_014363.6(SACS):c.7962T>C (p.Tyr2654=)

Gene: SACS (sacsin molecular chaperone; minus strand). Cytogenetic location: 13q12.12.
Variant type: single nucleotide variant.
Coding change: c.7962T>C on transcript NM_014363.6 (MANE Select); coding-DNA position 7962, T replaced by C.
Protein change: p.Tyr2654=; no amino-acid change (tyrosine 2654 retained).
Molecular consequence: synonymous variant.
Genome position (GRCh38, 1-based): chr13:23,335,914, A>G on the plus strand (T>C on the coding strand, the complement: SACS is on the minus strand). VCF-style: chr13-23335914-A-G. GRCh37 (hg19) VCF-style: chr13-23910053-A-G.
Other names: c.7962T>C (NM_014363.4); c.7521T>C, p.Tyr2507= (NM_001278055.2).
Identifiers: ClinVar variation 1111443 (VCV001111443.25), dbSNP rs777875035, ClinGen allele CA6910846.

ClinVar aggregate classification (germline): Likely benign. Review status: criteria provided, multiple submitters, no conflicts (2 of 4 stars). 4 submissions from 4 submitters: Likely benign (4). Last evaluated 2024-09-01.

Conditions:
Spastic paraplegia. Identifiers: MedGen C0037772, HP:0001258.

Allele frequency attached by ClinVar (database versions not stated): gnomAD exomes 0.00001; ExAC 0.00002.
gnomAD v4.1: 12 of 1,613,122 alleles (0.00074%); highest among the groups gnomAD compares: Middle Eastern, 0.017%; no homozygotes.

Submissions (4):

CeGaT Center for Human Genetics Tuebingen
Classification: Likely benign. Last evaluated: 2024-09-01. Review status: criteria provided, single submitter. Criteria: CeGaT Center For Human Genetics Tuebingen Variant Classification Criteria Version 2. Collection method: clinical testing. Allele origin: germline. Affected: yes. Observed: 1 variant allele.
Comment: SACS: BP4, BP7

Athena Diagnostics
Classification: Likely benign. Last evaluated: 2024-05-22. Review status: criteria provided, single submitter. Criteria: Athena Diagnostics Criteria. Collection method: clinical testing. Allele origin: unknown.

Labcorp Genetics (formerly Invitae), Labcorp
Classification: Likely benign for Spastic paraplegia. Last evaluated: 2023-12-19. Review status: criteria provided, single submitter. Criteria: Invitae Variant Classification Sherloc (09022015). Collection method: clinical testing. Allele origin: germline.

Blueprint Genetics
Classification: Likely benign. Last evaluated: 2021-09-21. Review status: criteria provided, single submitter. Criteria: ACMG Guidelines, 2015. Collection method: clinical testing. Allele origin: germline.